The following is an entry in ClinVar:

ClinVar aggregate classification (germline): Uncertain significance (1 of 4 stars; one submission).

Conditions:
Genitopatellar syndrome (GTPTS). Also called: Genitopatellar syndrome (GPS); ABSENT PATELLAE, SCROTAL HYPOPLASIA, RENAL ANOMALIES, FACIAL DYSMORPHISM, AND MENTAL RETARDATION. Identifiers: Orphanet 85201, MedGen C1853566, MONDO:0011640, OMIM 606170.

Submission:

Labcorp Genetics (formerly Invitae), Labcorp
Classification: Uncertain significance for Genitopatellar syndrome. Last evaluated: 2025-03-17. Review status: criteria provided, single submitter. Criteria: Invitae Variant Classification Sherloc (09022015). Collection method: clinical testing. Allele origin: germline.
Comment: This sequence change replaces asparagine, which is neutral and polar, with aspartic acid, which is acidic and polar, at codon 1238 of the KAT6B protein (p.Asn1238Asp). This variant is not present in population databases (gnomAD no frequency). This variant has not been reported in the literature in individuals affected with KAT6B-related conditions. ClinVar contains an entry for this variant (Variation ID: 2822661). Invitae Evidence Modeling of protein sequence and biophysical properties (such as structural, functional, and spatial information, amino acid conservation, physicochemical variation, residue mobility, and thermodynamic stability) indicates that this missense variant is not expected to disrupt KAT6B protein function with a negative predictive value of 80%. In summary, the available evidence is currently insufficient to determine the role of this variant in disease. Therefore, it has been classified as a Variant of Uncertain Significance.

NM_012330.4(KAT6B):c.3712A>G (p.Asn1238Asp)

Gene: KAT6B (lysine acetyltransferase 6B; plus strand). Cytogenetic location: 10q22.2.
Variant type: single nucleotide variant.
Coding change: c.3712A>G on transcript NM_012330.4 (MANE Select); coding-DNA position 3712, A replaced by G.
Protein change: p.Asn1238Asp; replaces asparagine 1238 with aspartic acid.
Molecular consequence: missense variant.
Genome position (GRCh38, 1-based): chr10:75,028,536, A>G. VCF-style: chr10-75028536-A-G. GRCh37 (hg19) VCF-style: chr10-76788294-A-G.
Other names: c.3163A>G, p.Asn1055Asp (NM_001256468.2, NM_001370138.1); c.2836A>G, p.Asn946Asp (NM_001256469.2, NM_001370139.1, NM_001370140.1 and 2 more transcripts); c.2674A>G, p.Asn892Asp (NM_001370132.1); c.2023A>G, p.Asn675Asp (NM_001370133.1); c.1627A>G, p.Asn543Asp (NM_001370134.1); c.1369A>G, p.Asn457Asp (NM_001370135.1); c.3712A>G, p.Asn1238Asp (NM_001370136.1, NM_001370137.1); c.2647A>G, p.Asn883Asp (NM_001370143.1, NM_001370144.1); short protein forms N1055D, N457D, N883D, N675D, N892D, N1238D, N543D, N946D.
Identifiers: ClinVar variation 2822661 (VCV002822661.3), dbSNP rs2549196886, ClinGen allele CA377291459.